The following is an entry in ClinVar:

NM_007103.4(NDUFV1):c.289C>T (p.Leu97Phe)

Gene: NDUFV1 (NADH:ubiquinone oxidoreductase core subunit V1; plus strand). Cytogenetic location: 11q13.2.
Variant type: single nucleotide variant.
Coding change: c.289C>T on transcript NM_007103.4 (MANE Select); coding-DNA position 289, C replaced by T.
Protein change: p.Leu97Phe; replaces leucine 97 with phenylalanine.
Molecular consequence: missense variant.
Genome position (GRCh38, 1-based): chr11:67,608,685, C>T. VCF-style: chr11-67608685-C-T. GRCh37 (hg19) VCF-style: chr11-67376156-C-T.
Other names: c.262C>T, p.Leu88Phe (NM_001166102.2); short protein forms L88F, L97F.
Identifiers: ClinVar variation 3764581 (VCV003764581.1).

ClinVar aggregate classification (germline): Uncertain significance (1 of 4 stars; one submission).

Conditions:
Mitochondrial complex I deficiency, nuclear type 4. Also called: Mitochondrial complex 1 deficiency, nuclear type 4. Identifiers: MedGen C4748753, MONDO:0032609, OMIM 618225.

Submission:

Daryl Scott Lab, Baylor College of Medicine
Classification: Uncertain significance for Mitochondrial complex I deficiency, nuclear type 4. Last evaluated: 2024-01-01. Review status: criteria provided, single submitter. Criteria: ACMG Guidelines, 2015. Collection method: clinical testing. Allele origin: biparental. Observed: 1 homozygote.
Comment: PM2, PP3